The following is an entry in ClinVar:

ClinVar aggregate classification (germline): Pathogenic (0 of 4 stars; one submission).

Conditions:
Exostoses, multiple, type 1 (EXT1). Also called: Hereditary Multiple Osteochondromatosis, Type I; EXOSTOSES, MULTIPLE, TYPE I. Identifiers: MedGen CN263289, MONDO:0007585, OMIM 133700.

Submission:

Research Laboratory Environment, Inflammation, Signaling and Pathologies, Faculty of Medicine, University of Monastir
Classification: Pathogenic for Exostoses, multiple, type 1. Review status: no assertion criteria provided. Collection method: research. Allele origin: germline. Affected: yes.
Comment: * The novel variant is identified in a gene (EXT1) definitively known to cause the disease (Strong evidence) * The variant is identified in the EXT1 (fully penetrant dominant gene) gene where loss-of-function is a known mechanism of the disease * Patient phenotype is highly specific for the disease (Hereditary multiple exostoses) and the EXT1 gene is reported to be more frequently mutated (70%) * The novel variant deletes the terminal amino acids of the exostosin domain and severely truncates the glycosyltransferase domain. * The functional mutation prediction tools revealed that the newly identified mutation may affect the EXT1 protein function and lead to the disease occurrence. Similarly, the structure modeling analysis revealed that the identified EXT1 mutation disturbed the predicted three-dimensional structure of the truncated protein and led to the protein’s function loss.

NM_000127.3(EXT1):c.784del (p.Tyr262fs)

Gene: EXT1 (exostosin glycosyltransferase 1; minus strand). Cytogenetic location: 8q24.11.
Variant type: Deletion.
Coding change: c.784del on transcript NM_000127.3 (MANE Select); coding-DNA position 784, one base deleted (T; older notation c.784delT).
Protein change: p.Tyr262fs; shifts the reading frame from tyrosine 262.
Molecular consequence: frameshift variant.
Genome position (GRCh38, 1-based): chr8:118,110,263, A deleted on the plus strand (T on the coding strand, the reverse complement: EXT1 is on the minus strand). VCF-style (leftmost placement, unchanged base first): chr8-118110262-TA-T. GRCh37 (hg19) VCF-style: chr8-119122501-TA-T.
Other names: short protein forms Y262fs.
Identifiers: ClinVar variation 3600227 (VCV003600227.1).